The following is an entry in ClinVar:

NM_001008537.3(NEXMIF):c.3086A>G (p.His1029Arg)

Gene: NEXMIF (neurite extension and migration factor; minus strand). Cytogenetic location: Xq13.3.
Variant type: single nucleotide variant.
Coding change: c.3086A>G on transcript NM_001008537.3 (MANE Select); coding-DNA position 3086, A replaced by G.
Protein change: p.His1029Arg; replaces histidine 1029 with arginine.
Molecular consequence: missense variant.
Genome position (GRCh38, 1-based): chrX:74,741,471, T>C on the plus strand (A>G on the coding strand, the complement: NEXMIF is on the minus strand). VCF-style: chrX-74741471-T-C. GRCh37 (hg19) VCF-style: chrX-73961306-T-C.
Other names: short protein forms H1029R.
Identifiers: ClinVar variation 5008420 (VCV005008420.1).

ClinVar aggregate classification (germline): Uncertain significance (1 of 4 stars; one submission).

gnomAD v4.1: 2 of 1,211,617 alleles (0.00017%); highest among the groups gnomAD compares: Non-Finnish European, 0.00022%; no homozygotes.

Submission:

GeneDx
Classification: Uncertain significance. Last evaluated: 2026-03-04. Review status: criteria provided, single submitter. Criteria: GeneDx Variant Classification Process June 2021. Collection method: clinical testing. Allele origin: germline.
Comment: Not observed at significant frequency in large population cohorts (gnomAD); In silico analysis supports that this missense variant has a deleterious effect on protein structure/function; Has not been previously published as pathogenic or benign to our knowledge